The following is an entry in ClinVar:

ClinVar aggregate classification (germline): Uncertain significance (1 of 4 stars; one submission).

Submission:

Dasa
Classification: Uncertain significance. Last evaluated: 2026-01-02. Review status: criteria provided, single submitter. Criteria: DASA Assertion Criteria. Collection method: clinical testing. Allele origin: germline.
Comment: NM_001375524.1(TRRAP):c.5632T>G (p.Ser1878Ala) is a missense variant that results in the substitution of serine with alanine. This variant is rare in population databases. Computational prediction algorithms are consistent with a benign effect. The currently available literature and clinical evidence are not sufficient to establish a definitive association between this variant and the reported condition. Therefore, this variant is classified as a variant of uncertain significance.

NM_001375524.1(TRRAP):c.5632T>G (p.Ser1878Ala)

Gene: TRRAP (transformation/transcription domain associated protein; plus strand). Cytogenetic location: 7q22.1.
Variant type: single nucleotide variant.
Coding change: c.5632T>G on transcript NM_001375524.1 (MANE Select); coding-DNA position 5632, T replaced by G.
Protein change: p.Ser1878Ala; replaces serine 1878 with alanine.
Molecular consequence: missense variant.
Genome position (GRCh38, 1-based): chr7:98,953,335, T>G. VCF-style: chr7-98953335-T-G. GRCh37 (hg19) VCF-style: chr7-98550958-T-G.
Other names: c.5611T>G, p.Ser1871Ala (NM_001244580.2); c.5557T>G, p.Ser1853Ala (NM_003496.4); short protein forms S1853A, S1871A, S1878A.
Identifiers: ClinVar variation 4885056 (VCV004885056.2).